The following is an entry in ClinVar:

NM_001083961.2(WDR62):c.2333+2T>C

Gene: WDR62 (WD repeat domain 62; plus strand). Cytogenetic location: 19q13.12.
Variant type: single nucleotide variant.
Coding change: c.2333+2T>C on transcript NM_001083961.2 (MANE Select); the canonical splice donor site of the intron after coding-DNA position 2333, T replaced by C.
Molecular consequence: splice donor variant.
Genome position (GRCh38, 1-based): chr19:36,092,813, T>C. VCF-style: chr19-36092813-T-C. GRCh37 (hg19) VCF-style: chr19-36583715-T-C.
Other names: c.2333+2T>C (NM_173636.5, NM_001411146.1); c.2318+2T>C (NM_001411145.1); c.1982+2T>C (NM_001411147.1).
Identifiers: ClinVar variation 1348092 (VCV001348092.9), dbSNP rs536578692, ClinGen allele CA9395896.

ClinVar aggregate classification (germline): Likely pathogenic. Review status: criteria provided, multiple submitters, no conflicts (2 of 4 stars). 2 submissions from 2 submitters: Likely pathogenic (2). Last evaluated 2024-08-21.

Allele frequency attached by ClinVar (database versions not stated): ExAC 0.00001; gnomAD 0.00001; gnomAD exomes 0.00001; 1000 Genomes Project 30x 0.00016; 1000 Genomes Project 0.00020.

Submissions (2):

GeneDx
Classification: Likely pathogenic. Last evaluated: 2024-08-21. Review status: criteria provided, single submitter. Criteria: GeneDx Variant Classification Process June 2021. Collection method: clinical testing. Allele origin: germline. Affected: yes.
Comment: Canonical splice site variant predicted to result in an in-frame loss of the adjacent exon in a gene for which loss of function is a known mechanism of disease; Not observed at significant frequency in large population cohorts (gnomAD); Has not been previously published as pathogenic or benign to our knowledge

Labcorp Genetics (formerly Invitae), Labcorp
Classification: Likely pathogenic. Last evaluated: 2023-08-28. Review status: criteria provided, single submitter. Criteria: Invitae Variant Classification Sherloc (09022015). Collection method: clinical testing. Allele origin: germline.
Comment: This sequence change affects a donor splice site in intron 19 of the WDR62 gene. It is expected to disrupt RNA splicing. Variants that disrupt the donor or acceptor splice site typically lead to a loss of protein function (PMID: 16199547), and loss-of-function variants in WDR62 are known to be pathogenic (PMID: 20729831). This variant is present in population databases (rs536578692, gnomAD 0.006%). This variant has not been reported in the literature in individuals affected with WDR62-related conditions. ClinVar contains an entry for this variant (Variation ID: 1348092). Algorithms developed to predict the effect of sequence changes on RNA splicing suggest that this variant may disrupt the consensus splice site. In summary, the currently available evidence indicates that the variant is pathogenic, but additional data are needed to prove that conclusively. Therefore, this variant has been classified as Likely Pathogenic.

Literature cited by the submitters: PubMed 16199547 (cited by Labcorp Genetics (formerly Invitae), Labcorp); PubMed 20729831 (cited by Labcorp Genetics (formerly Invitae), Labcorp).